The following is an entry in ClinVar:

ClinVar aggregate classification (germline): Pathogenic/Likely pathogenic. Review status: criteria provided, multiple submitters, no conflicts (2 of 4 stars). 25 submissions from 25 submitters: Pathogenic (19); Likely pathogenic (3). 3 of the submissions do not count toward it. Last evaluated 2026-09-06.

Conditions:
DHCR7-related disorder. Also called: DHCR7-related condition.
Smith-Lemli-Opitz syndrome (SLOS). Also called: LETHAL ACRODYSGENITAL SYNDROME; 7-Dehydrocholesterol reductase deficiency; POLYDACTYLY, SEX REVERSAL, RENAL HYPOPLASIA, AND UNILOBAR LUNG; RSH SYNDROME; RUTLEDGE LETHAL MULTIPLE CONGENITAL ANOMALY SYNDROME. Identifiers: Orphanet 818, MedGen C0175694, MONDO:0010035, OMIM 270400.
Abnormal brain morphology. Also called: Abnormality of brain morphology. Identifiers: MedGen C4021085, HP:0012443.

Allele frequency attached by ClinVar (database versions not stated): gnomAD exomes 0.00004 and 0.00005; ExAC 0.00003; TOPMed 0.00007; gnomAD 0.00009.
gnomAD v4.1: 90 of 1,613,412 alleles (0.0056%); highest among the groups gnomAD compares: Non-Finnish European, 0.0064%; no homozygotes.

Submissions 1 to 14 of 25:

PreventionGenetics, part of Exact Sciences
Classification: Pathogenic for DHCR7-related condition. Last evaluated: 2026-09-06. Review status: criteria provided, single submitter. Criteria: ACMG Guidelines, 2015. Collection method: clinical testing. Allele origin: germline.
Comment: The DHCR7 c.278C>T variant is predicted to result in the amino acid substitution p.Thr93Met. This variant is one of the most commonly reported pathogenic variants in the DHCR7 gene and has been documented as causative for Smith-Lemli-Opitz syndrome (Fitzky et al. 1998. PubMed ID: 9653161; Witsch-Baumgartner et al. 2000. PubMed ID: 10677299). This variant is reported in 0.012% of alleles in individuals of African descent in gnomAD. This variant is interpreted as pathogenic.

Labcorp Genetics (formerly Invitae), Labcorp
Classification: Pathogenic for Smith-Lemli-Opitz syndrome. Last evaluated: 2026-01-09. Review status: criteria provided, single submitter. Criteria: Invitae Variant Classification Sherloc (09022015). Collection method: clinical testing. Allele origin: germline.
Comment: This sequence change replaces threonine, which is neutral and polar, with methionine, which is neutral and non-polar, at codon 93 of the DHCR7 protein (p.Thr93Met). This variant is present in population databases (rs80338853, gnomAD 0.008%). This missense change has been observed in individual(s) with Smith–Lemli–Opitz syndrome (PMID: 9653161, 10602371, 10677299, 10995508, 14981719, 15776424). In at least one individual the data is consistent with being in trans (on the opposite chromosome) from a pathogenic variant. It is commonly reported in individuals of Mediterranean ancestry (PMID: 9653161, 10602371, 10677299, 10995508, 14981719, 15776424). ClinVar contains an entry for this variant (Variation ID: 6783). Invitae Evidence Modeling of protein sequence and biophysical properties (such as structural, functional, and spatial information, amino acid conservation, physicochemical variation, residue mobility, and thermodynamic stability) has been performed for this missense variant. However, the output from this modeling did not meet the statistical confidence thresholds required to predict the impact of this variant on DHCR7 protein function. For these reasons, this variant has been classified as Pathogenic.

Natera, Inc.
Classification: Pathogenic for Smith-Lemli-Opitz syndrome. Last evaluated: 2025-12-26. Review status: criteria provided, single submitter. Criteria: Natera Variant Classification Schema (03/2026). Collection method: clinical testing. Allele origin: germline.
Comment: The c.278C>T variant in DHCR7 is a missense variant predicted to cause substitution of threonine to methionine at amino acid 93. This variant is rare in the general population with a frequency below the threshold expected for the associated phenotype(s). This variant has been observed in one or more individuals affected with the associated recessive disease, as either homozygous or compound heterozygous with a second variant (PMID: 15896653). Computational prediction algorithms indicate this variant is likely to affect gene or protein function. Given the available evidence, this variant is classified as Pathogenic.

Clinical Genetics Laboratory, University Hospital Schleswig-Holstein
Classification: Pathogenic for Smith-Lemli-Opitz syndrome. Last evaluated: 2025-12-16. Review status: criteria provided, single submitter. Criteria: ACMG Guidelines, 2015. Collection method: clinical testing. Allele origin: germline. Affected: yes. Observed: 1 heterozygote.
Comment: ACMG criteria applied: PM2, PS4, PP3, PM3_Strong

Greenwood Genetic Center Diagnostic Laboratories, Greenwood Genetic Center
Classification: Pathogenic for Smith-Lemli-Opitz syndrome. Last evaluated: 2025-06-24. Review status: criteria provided, single submitter. Criteria: ACMG Guidelines, 2015. Collection method: clinical testing. Allele origin: germline. Affected: yes.
Comment: PM2, PM3_Very Strong, PP3

Mayo Clinic Laboratories, Mayo Clinic
Classification: Pathogenic. Last evaluated: 2025-02-26. Review status: criteria provided, single submitter. Criteria: ACMG Guidelines, 2015. Collection method: clinical testing. Allele origin: germline. Observed: 1 variant allele.
Comment: PP3_moderate, PM2_supporting, PM3_very_strong

Fulgent Genetics
Classification: Pathogenic for Smith-Lemli-Opitz syndrome. Last evaluated: 2024-05-12. Review status: criteria provided, single submitter. Criteria: ACMG Guidelines, 2015. Collection method: clinical testing. Allele origin: germline.

Department of Human Genetics, Hannover Medical School
Classification: Likely pathogenic for Smith-Lemli-Opitz syndrome. Last evaluated: 2024-04-25. Review status: criteria provided, single submitter. Criteria: ACMG Guidelines, 2015. Collection method: clinical testing. Allele origin: germline. Affected: yes.

Centre of Medical Genetics, University Hospital Muenster
Classification: Pathogenic. Last evaluated: 2023-10-17. Review status: criteria provided, single submitter. Criteria: ACMG Guidelines, 2015. Collection method: clinical testing. Allele origin: unknown. Affected: yes. Observed: 1 variant allele, 1 heterozygote.
Comment: ACMG categories: PS1,PS3,PM2,PM3

Blueprint Genetics
Classification: Pathogenic for DHCR7-related disorders. Last evaluated: 2023-08-11. Review status: criteria provided, single submitter. Criteria: ACMG Guidelines, 2015. Collection method: clinical testing. Allele origin: germline. Affected: yes. Observed: 3 variant alleles.

Revvity Omics, Revvity
Classification: Pathogenic for Smith-Lemli-Opitz syndrome. Last evaluated: 2022-03-18. Review status: criteria provided, single submitter. Criteria: ACMG Guidelines, 2015. Collection method: clinical testing. Allele origin: germline.

ARUP Laboratories, Molecular Genetics and Genomics, ARUP Laboratories
Classification: Pathogenic for Smith-Lemli-Opitz syndrome. Last evaluated: 2021-09-17. Review status: criteria provided, single submitter. Criteria: ARUP Molecular Germline Variant Investigation Process 2021. Collection method: clinical testing. Allele origin: germline.
Comment: The DHCR7 c.278C>T; p.Thr93Met (rs80338853) variant has been reported in the literature in multiple individuals with Smith-Lemli-Optiz (SLO) syndrome (Fitzky 1998, Nowaczyk 2004, Witsch-Baumgartner 2000) and has been reported as a founder variant in Mediterranean populations (Nowaczyk 2004, Witsch-Baumgartner 2005). This variant is also reported in ClinVar (Variation ID: 6783) and is found in the general population with an overall allele frequency of 0.005% (14/281358 alleles) in the Genome Aggregation Database. The threonine at codon 93 is highly conserved, and computational analyses predict that this variant is deleterious (REVEL: 0.785). Based on available information, this variant is considered pathogenic. References: Fitzky BU et al. (1998) Mutations in the Delta7-sterol reductase gene in patients with the Smith-Lemli-Opitz syndrome. Proc Natl Acad Sci U S A. 95(14):8181-6. PMID: 9653161. Nowaczyk MJ et al. (2004) Founder effect for the T93M DHCR7 mutation in Smith-Lemli-Opitz syndrome. Am J Med Genet A. 125A(2):173-6. PMID: 14981719. Witsch-Baumgartner M et al. Identification of 14 novel mutations in DHCR7 causing the Smith-Lemli-Opitz syndrome and delineation of the DHCR7 mutational spectra in Spain and Italy. Hum Mutat. 2005 Apr;25(4):412. PMID: 15776424. Witsch-Baumgartner M et al. Mutational spectrum in the Delta7-sterol reductase gene and genotype-phenotype correlation in 84 patients with Smith-Lemli-Opitz syndrome. Am J Hum Genet. 2000 Feb;66(2):402-12. PMID: 10677299.

GeneDx
Classification: Pathogenic. Last evaluated: 2021-07-01. Review status: criteria provided, single submitter. Criteria: GeneDx Variant Classification Process June 2021. Collection method: clinical testing. Allele origin: germline. Affected: yes.
Comment: Not observed at a significant frequency in large population cohorts (Lek et al., 2016); In silico analysis supports that this missense variant has a deleterious effect on protein structure/function; This variant is associated with the following publications: (PMID: 10995508, 27535533, 24077912, 31178897, 16207203, 15670717, 10602371, 10677299, 11175299, 15776424, 17965227, 22211794, 14981719, 16446309, 9653161, 15952211, 22975760)

New York Genome Center
Classification: Pathogenic for Smith-Lemli-Opitz syndrome. Last evaluated: 2020-06-04. Review status: criteria provided, single submitter. Criteria: NYGC Assertion Criteria 2020. Collection method: clinical testing. Allele origin: germline. Observed: 1 heterozygote. Study: CSER-NYCKidSeq.

NM_001360.3(DHCR7):c.278C>T (p.Thr93Met)

Gene: DHCR7 (7-dehydrocholesterol reductase; minus strand). Cytogenetic location: 11q13.4.
Variant type: single nucleotide variant.
Coding change: c.278C>T on transcript NM_001360.3 (MANE Select); coding-DNA position 278, C replaced by T.
Protein change: p.Thr93Met; replaces threonine 93 with methionine.
Molecular consequence: missense variant.
Genome position (GRCh38, 1-based): chr11:71,444,036, G>A on the plus strand (C>T on the coding strand, the complement: DHCR7 is on the minus strand). VCF-style: chr11-71444036-G-A. GRCh37 (hg19) VCF-style: chr11-71155082-G-A.
Other names: c.278C>T, p.Thr93Met (NM_001163817.2); short protein forms T93M.
Identifiers: ClinVar variation 6783 (VCV000006783.77), dbSNP rs80338853, ClinGen allele CA221665.